The following is an entry in ClinVar:

NM_018015.6(RADX):c.1899T>A (p.Ala633=)

Gene: RADX (RPA1 related single stranded DNA binding protein, X-linked; plus strand). Cytogenetic location: Xq22.3.
Variant type: single nucleotide variant.
Coding change: c.1899T>A on transcript NM_018015.6 (MANE Select); coding-DNA position 1899, T replaced by A.
Protein change: p.Ala633=; no amino-acid change (alanine 633 retained).
Molecular consequence: synonymous variant.
Genome position (GRCh38, 1-based): chrX:106,640,716, T>A. VCF-style: chrX-106640716-T-A. GRCh37 (hg19) VCF-style: chrX-105883946-T-A.
Other names: c.1608T>A, p.Ala536= (NM_001184782.2).
Identifiers: ClinVar variation 2661135 (VCV002661135.24), dbSNP rs145266833, ClinGen allele CA10482367.

ClinVar aggregate classification (germline): Likely benign (1 of 4 stars; one submission).

Allele frequency attached by ClinVar (database versions not stated): ExAC 0.00004; gnomAD 0.00005; TOPMed 0.00005; gnomAD exomes 0.00009; ESP Exome Variant Server 0.00019.
gnomAD v4.1: 105 of 1,168,750 alleles (0.009%); highest among the groups gnomAD compares: Non-Finnish European, 0.011%; no homozygotes.

Submission:

CeGaT Center for Human Genetics Tuebingen
Classification: Likely benign. Last evaluated: 2023-02-01. Review status: criteria provided, single submitter. Criteria: CeGaT Center For Human Genetics Tuebingen Variant Classification Criteria Version 2. Collection method: clinical testing. Allele origin: germline. Affected: yes. Observed: 1 variant allele.
Comment: RADX: BP4, BP7, BS2